The following is an entry in ClinVar:

NM_005751.5(AKAP9):c.11230G>T (p.Gly3744Trp)

Gene: AKAP9 (A-kinase anchoring protein 9; plus strand). Cytogenetic location: 7q21.2.
Variant type: single nucleotide variant.
Coding change: c.11230G>T on transcript NM_005751.5 (MANE Select); coding-DNA position 11230, G replaced by T.
Protein change: p.Gly3744Trp; replaces glycine 3744 with tryptophan.
Molecular consequence: missense variant.
Genome position (GRCh38, 1-based): chr7:92,102,726, G>T. VCF-style: chr7-92102726-G-T. GRCh37 (hg19) VCF-style: chr7-91732040-G-T.
Other names: c.5875G>T, p.Gly1959Trp (NM_001379277.1); c.11206G>T, p.Gly3736Trp (NM_147185.3); short protein forms G3744W, G3736W, G1959W.
Identifiers: ClinVar variation 191530 (VCV000191530.20), dbSNP rs200327385, ClinGen allele CA236912.

ClinVar aggregate classification (germline): Conflicting classifications of pathogenicity. Review status: criteria provided, conflicting classifications (1 of 4 stars). 5 submissions from 5 submitters: Uncertain significance (3); Likely benign (2). Last evaluated 2025-04-28.

Conditions:
Cardiovascular phenotype. Identifiers: MedGen CN230736.
Long QT syndrome (LQTS). Identifiers: MedGen C0023976, MeSH D008133, MONDO:0002442. Disease mechanism: loss of function. Inheritance: Various modes of inheritance.
Long QT syndrome 11 (LQT11). Identifiers: Orphanet 101016, Orphanet 768, MedGen C2678483, MONDO:0012738, OMIM 611820.

Allele frequency attached by ClinVar (database versions not stated): TOPMed 0.00006; ESP Exome Variant Server 0.00015.
gnomAD v4.1: 95 of 1,614,082 alleles (0.0059%); highest among the groups gnomAD compares: Non-Finnish European, 0.0073%; no homozygotes.

Submissions (5):

Labcorp Genetics (formerly Invitae), Labcorp
Classification: Uncertain significance for Long QT syndrome. Last evaluated: 2025-04-28. Review status: criteria provided, single submitter. Criteria: Invitae Variant Classification Sherloc (09022015). Collection method: clinical testing. Allele origin: germline.
Comment: This sequence change replaces glycine, which is neutral and non-polar, with tryptophan, which is neutral and slightly polar, at codon 3744 of the AKAP9 protein (p.Gly3744Trp). This variant is present in population databases (rs200327385, gnomAD 0.01%). This variant has not been reported in the literature in individuals affected with AKAP9-related conditions. ClinVar contains an entry for this variant (Variation ID: 191530). An algorithm developed to predict the effect of missense changes on protein structure and function (PolyPhen-2) suggests that this variant is likely to be disruptive. In summary, the available evidence is currently insufficient to determine the role of this variant in disease. Therefore, it has been classified as a Variant of Uncertain Significance.

Ambry Genetics
Classification: Uncertain significance for Cardiovascular phenotype. Last evaluated: 2024-09-25. Review status: criteria provided, single submitter. Criteria: Ambry Variant Classification Scheme 2023. Collection method: clinical testing. Allele origin: germline.
Comment: The p.G3744W variant (also known as c.11230G>T), located in coding exon 46 of the AKAP9 gene, results from a G to T substitution at nucleotide position 11230. The glycine at codon 3744 is replaced by tryptophan, an amino acid with highly dissimilar properties. This amino acid position is well conserved in available vertebrate species. In addition, the in silico prediction for this alteration is inconclusive. The evidence for this gene-disease relationship is limited; therefore, the clinical significance of this alteration is unclear.

Center for Genomics, Ann and Robert H. Lurie Children's Hospital of Chicago
Classification: Uncertain significance for Long QT syndrome 11. Last evaluated: 2021-03-30. Review status: criteria provided, single submitter. Criteria: ACMG Guidelines, 2015. Collection method: clinical testing. Allele origin: germline.
Comment: AKAP9 NM_005751.4 exon 46 p.Gly3744Trp (c.11230G>T): This variant has not been reported in the literature but is present in 10/126664 European alleles in the Genome Aggregation Database. This variant is present in ClinVar (Variation ID:191530). Evolutionary conservation and computational predictive tools suggest that this variant may impact the protein. In summary, data on this variant is insufficient for disease classification. Therefore, the clinical significance of this variant is uncertain.

Blueprint Genetics
Classification: Likely benign. Last evaluated: 2019-09-11. Review status: criteria provided, single submitter. Criteria: ACMG Guidelines, 2015. Collection method: clinical testing. Allele origin: germline.

Biesecker Lab/Clinical Genomics Section, National Institutes of Health
Classification: Likely benign. Last evaluated: 2013-06-24. Review status: criteria provided, single submitter. Criteria: Ng et al. (Circ Cardiovasc Genet. 2013). Collection method: research. Allele origin: unknown. Observed: 1 variant allele. Study: ClinSeq.
Comment: The study set was not selected for affection status in relation to any cancer. Pathogenicity categories were based on literature curation. See Pubmed ID:23861362 for details.

Medical sequencing

Literature cited by the submitters: PubMed 23861362 (cited by Ambry Genetics).